The following is an entry in ClinVar:

ClinVar aggregate classification (germline): Pathogenic (1 of 4 stars; one submission).

Conditions:
Primary ciliary dyskinesia. Also called: Ciliary dyskinesia. Identifiers: Orphanet 244, MedGen C0008780, MONDO:0016575, HP:0012265.

Submission:

Labcorp Genetics (formerly Invitae), Labcorp
Classification: Pathogenic for Primary ciliary dyskinesia. Last evaluated: 2024-02-13. Review status: criteria provided, single submitter. Criteria: Invitae Variant Classification Sherloc (09022015). Collection method: clinical testing. Allele origin: germline.
Comment: This sequence change creates a premature translational stop signal (p.Gln2091*) in the DNAH5 gene. It is expected to result in an absent or disrupted protein product. Loss-of-function variants in DNAH5 are known to be pathogenic (PMID: 11788826, 16627867). This variant is not present in population databases (gnomAD no frequency). This variant has not been reported in the literature in individuals affected with DNAH5-related conditions. For these reasons, this variant has been classified as Pathogenic.

Literature cited by the submitters: PubMed 11788826; PubMed 16627867.

NM_001369.3(DNAH5):c.6271C>T (p.Gln2091Ter)

Gene: DNAH5 (dynein axonemal heavy chain 5; minus strand). Cytogenetic location: 5p15.2.
Variant type: single nucleotide variant.
Coding change: c.6271C>T on transcript NM_001369.3 (MANE Select); coding-DNA position 6271, C replaced by T.
Protein change: p.Gln2091Ter; replaces glutamine 2091 with a stop codon.
Molecular consequence: nonsense.
Genome position (GRCh38, 1-based): chr5:13,829,683, G>A on the plus strand (C>T on the coding strand, the complement: DNAH5 is on the minus strand). VCF-style: chr5-13829683-G-A. GRCh37 (hg19) VCF-style: chr5-13829792-G-A.
Other names: short protein forms Q2091*.
Identifiers: ClinVar variation 3640567 (VCV003640567.2).